The following is an entry in ClinVar:

NM_000038.6(APC):c.3499_3501del (p.Asn1167del)

Gene: APC (APC regulator of Wnt signaling pathway; plus strand). Cytogenetic location: 5q22.2.
Variant type: Deletion.
Coding change: c.3499_3501del on transcript NM_000038.6 (MANE Select); coding-DNA positions 3499 to 3501, 3 bases deleted (AAT; older notation c.3499_3501delAAT).
Protein change: p.Asn1167del; deletes asparagine 1167.
Molecular consequence: inframe deletion.
Genome position (GRCh38, 1-based): chr5:112,839,093-112,839,095, AAT deleted; deleting any 3 consecutive bases within chr5:112,839,091-112,839,095 gives the same sequence; the c. name uses the placement nearest the transcript's 3' end. VCF-style (leftmost placement, unchanged base first): chr5-112839090-TATA-T. GRCh37 (hg19) VCF-style: chr5-112174787-TATA-T.
Other names: c.3499_3501del, p.Asn1167del (NM_001127510.3, NM_001354895.2); c.3445_3447del, p.Asn1149del (NM_001127511.3); c.3553_3555del, p.Asn1185del (NM_001354896.2); c.3529_3531del, p.Asn1177del (NM_001354897.2); c.3424_3426del, p.Asn1142del (NM_001354898.2); c.3415_3417del, p.Asn1139del (NM_001354899.2); c.3376_3378del, p.Asn1126del (NM_001354900.2); c.3322_3324del, p.Asn1108del (NM_001354901.2); and 5 more; short protein forms N1149del, N1167del, N1142del, N1066del, N1108del, N1185del, N884del, N1007del.
Identifiers: ClinVar variation 246486 (VCV000246486.7), dbSNP rs879254285, ClinGen allele CA10584249.

ClinVar aggregate classification (germline): Uncertain significance. Review status: criteria provided, multiple submitters, no conflicts (2 of 4 stars). 4 submissions from 4 submitters: Uncertain significance (4). Last evaluated 2025-07-14.

Conditions:
Hereditary cancer-predisposing syndrome. Also called: Hereditary neoplastic syndrome; Neoplastic Syndromes, Hereditary; Tumor predisposition; Hereditary Cancer Syndrome. Identifiers: Orphanet 140162, MedGen C0027672, MeSH D009386, MONDO:0015356.
Familial adenomatous polyposis 1 (FAP1). Also called: FAMILIAL ADENOMATOUS POLYPOSIS 1, ATTENUATED; POLYPOSIS, ADENOMATOUS INTESTINAL. Identifiers: MedGen C2713442, MONDO:0021056, OMIM 175100. Disease mechanism: loss of function.

Submissions (4):

Ambry Genetics
Classification: Uncertain significance for Hereditary cancer-predisposing syndrome. Last evaluated: 2025-07-14. Review status: criteria provided, single submitter. Criteria: Ambry Variant Classification Scheme 2023. Collection method: clinical testing. Allele origin: germline.
Comment: The c.3499_3501delAAT variant (also known as p.N1167del) is located in coding exon 15 of the APC gene. This variant results from an in-frame AAT deletion at nucleotide positions 3499 to 3501. This results in the in-frame deletion of an asparagine at codon 1167. This amino acid position is well conserved in available vertebrate species. In addition, this variant is predicted to be neutral by in silico analysis (Choi Y et al. PLoS ONE. 2012; 7(10):e46688). Based on the available evidence, the clinical significance of this variant remains unclear.

Color Diagnostics, LLC DBA Color Health
Classification: Uncertain significance for Hereditary cancer-predisposing syndrome. Last evaluated: 2024-09-24. Review status: criteria provided, single submitter. Criteria: ACMG Guidelines, 2015. Collection method: clinical testing. Allele origin: germline.
Comment: This variant causes an in-frame deletion of one amino acid in the APC gene. To our knowledge, functional studies have not been reported for this variant. This variant has not been reported in individuals affected with APC-related disorders in the literature. This variant has been identified in 1/250530 chromosomes in the general population by the Genome Aggregation Database (gnomAD). The available evidence is insufficient to determine the role of this variant in disease conclusively. Therefore, this variant is classified as a Variant of Uncertain Significance.

Labcorp Genetics (formerly Invitae), Labcorp
Classification: Uncertain significance for Familial adenomatous polyposis 1. Last evaluated: 2024-06-12. Review status: criteria provided, single submitter. Criteria: Invitae Variant Classification Sherloc (09022015). Collection method: clinical testing. Allele origin: germline.
Comment: This variant, c.3499_3501del, results in the deletion of 1 amino acid(s) of the APC protein (p.Asn1167del), but otherwise preserves the integrity of the reading frame. This variant is present in population databases (no rsID available, gnomAD 0.0009%). This variant has not been reported in the literature in individuals affected with APC-related conditions. ClinVar contains an entry for this variant (Variation ID: 246486). Experimental studies and prediction algorithms are not available or were not evaluated, and the functional significance of this variant is currently unknown. In summary, the available evidence is currently insufficient to determine the role of this variant in disease. Therefore, it has been classified as a Variant of Uncertain Significance.

GeneDx
Classification: Uncertain significance. Last evaluated: 2016-03-11. Review status: criteria provided, single submitter. Criteria: GeneDx Variant Classification (06012015). Collection method: clinical testing. Allele origin: germline. Affected: yes.
Comment: This in-frame deletion of 3 nucleotides in APC is denoted c.3499_3501delAAT at the cDNA level and p.Asn1167del (N1167del) at the protein level. The normal sequence, with the bases that are deleted in braces, is ATAT[AAT]GAAG. This deletion of a single Asparagine residue occurs at a position that is not conserved and is located in the 15-aa repeat B-catenin binding domain (Azzopardi 2008). This variant has not, to our knowledge, been published in the literature as pathogenic or benign. Since in-frame deletions may or may not inhibit proper protein functioning, the clinical significance of this finding remains unclear at this time and we consider APC Asn1167del to be a variant of uncertain significance.